The following is an entry in ClinVar:

NM_017837.4(PIGV):c.563G>A (p.Arg188Gln)

Gene: PIGV (phosphatidylinositol glycan anchor biosynthesis class V; plus strand). Cytogenetic location: 1p36.11.
Variant type: single nucleotide variant.
Coding change: c.563G>A on transcript NM_017837.4 (MANE Select); coding-DNA position 563, G replaced by A.
Protein change: p.Arg188Gln; replaces arginine 188 with glutamine.
Molecular consequence: missense variant. On other transcripts: non-coding transcript variant (1), intron variant (3).
Genome position (GRCh38, 1-based): chr1:26,794,597, G>A. VCF-style: chr1-26794597-G-A. GRCh37 (hg19) VCF-style: chr1-27121088-G-A.
Other names: c.563G>A, p.Arg188Gln (NM_001202554.2, NM_001374478.1, NM_001374480.1 and 2 more transcripts); c.182G>A, p.Arg61Gln (NM_001374483.1); c.173-237G>A (NM_001374484.1, NM_001374485.1); c.79-2966G>A (NM_001374486.1); short protein forms R188Q, R61Q.
Identifiers: ClinVar variation 1312303 (VCV001312303.5), dbSNP rs368069947, ClinGen allele CA708074.

ClinVar aggregate classification (germline): Uncertain significance. Review status: criteria provided, multiple submitters, no conflicts (2 of 4 stars). 2 submissions from 2 submitters: Uncertain significance (2). Last evaluated 2022-10-19.

Allele frequency attached by ClinVar (database versions not stated): gnomAD 0.00001; TOPMed 0.00001; gnomAD exomes 0.00002 and 0.00004; ExAC 0.00003; ESP Exome Variant Server 0.00008.

Submissions (2):

Labcorp Genetics (formerly Invitae), Labcorp
Classification: Uncertain significance. Last evaluated: 2022-10-19. Review status: criteria provided, single submitter. Criteria: Invitae Variant Classification Sherloc (09022015). Collection method: clinical testing. Allele origin: germline.
Comment: In summary, the available evidence is currently insufficient to determine the role of this variant in disease. Therefore, it has been classified as a Variant of Uncertain Significance. Advanced modeling of protein sequence and biophysical properties (such as structural, functional, and spatial information, amino acid conservation, physicochemical variation, residue mobility, and thermodynamic stability) performed at Invitae indicates that this missense variant is not expected to disrupt PIGV protein function. ClinVar contains an entry for this variant (Variation ID: 1312303). This variant has not been reported in the literature in individuals affected with PIGV-related conditions. This variant is present in population databases (rs368069947, gnomAD 0.02%). This sequence change replaces arginine, which is basic and polar, with glutamine, which is neutral and polar, at codon 188 of the PIGV protein (p.Arg188Gln).

GeneDx
Classification: Uncertain significance. Last evaluated: 2019-09-13. Review status: criteria provided, single submitter. Criteria: GeneDx Variant Classification Process June 2021. Collection method: clinical testing. Allele origin: germline. Affected: yes.
Comment: Not observed at a significant frequency in large population cohorts (Lek et al., 2016); In silico analysis, which includes protein predictors and evolutionary conservation, supports that this variant does not alter protein structure/function; Has not been previously published as pathogenic or benign to our knowledge